The following is an entry in ClinVar:

NM_005188.4(CBL):c.1402T>C (p.Phe468Leu)

Gene: CBL (Cbl proto-oncogene; plus strand). Cytogenetic location: 11q23.3.
Variant type: single nucleotide variant.
Coding change: c.1402T>C on transcript NM_005188.4 (MANE Select); coding-DNA position 1402, T replaced by C.
Protein change: p.Phe468Leu; replaces phenylalanine 468 with leucine.
Molecular consequence: missense variant.
Genome position (GRCh38, 1-based): chr11:119,278,684, T>C. VCF-style: chr11-119278684-T-C. GRCh37 (hg19) VCF-style: chr11-119149394-T-C.
Other names: short protein forms F468L.
Identifiers: ClinVar variation 3996078 (VCV003996078.1).

ClinVar aggregate classification (germline): Uncertain significance (1 of 4 stars; one submission).

Conditions:
Cardiovascular phenotype. Identifiers: MedGen CN230736.

gnomAD v4.1: 1 of 1,614,126 alleles (0.000062%); highest among the groups gnomAD compares: South Asian, 0.0011%; no homozygotes.

Submission:

Ambry Genetics
Classification: Uncertain significance for Cardiovascular phenotype. Last evaluated: 2025-05-31. Review status: criteria provided, single submitter. Criteria: Ambry Variant Classification Scheme 2023. Collection method: clinical testing. Allele origin: germline.
Comment: The p.F468L variant (also known as c.1402T>C), located in coding exon 9 of the CBL gene, results from a T to C substitution at nucleotide position 1402. The phenylalanine at codon 468 is replaced by leucine, an amino acid with highly similar properties. This amino acid position is conserved. In addition, this alteration is predicted to be tolerated by in silico analysis. Based on the available evidence, the clinical significance of this variant remains unclear.